The following is an entry in ClinVar:

ClinVar aggregate classification (germline): Uncertain significance (1 of 4 stars; one submission).

Submission:

GeneDx
Classification: Uncertain significance. Last evaluated: 2023-06-09. Review status: criteria provided, single submitter. Criteria: GeneDx Variant Classification Process June 2021. Collection method: clinical testing. Allele origin: germline. Affected: yes.
Comment: Not observed at significant frequency in large population cohorts (gnomAD); Canonical splice site variant in a gene or region of a gene for which loss of function is not a well-established mechanism of disease; Has not been previously published as pathogenic or benign to our knowledge

NM_031844.3(HNRNPU):c.691+1G>T

Gene: HNRNPU (heterogeneous nuclear ribonucleoprotein U; minus strand). Cytogenetic location: 1q44.
Variant type: single nucleotide variant.
Coding change: c.691+1G>T on transcript NM_031844.3 (MANE Select); the canonical splice donor site of the intron after coding-DNA position 691, G replaced by T.
Molecular consequence: splice donor variant. On other transcripts: intron variant (1).
Genome position (GRCh38, 1-based): chr1:244,863,616, C>A on the plus strand (G>T on the coding strand, the complement: HNRNPU is on the minus strand). VCF-style: chr1-244863616-C-A. GRCh37 (hg19) VCF-style: chr1-245026918-C-A.
Other names: c.634+58G>T (NM_004501.3).
Identifiers: ClinVar variation 3359269 (VCV003359269.1).
Genomic context (GRCh38, chr1:244,863,616, plus strand): 5'-GGGCACGGTCCCCACCCCGCGCGGGCCTCCCGCCGCGCGCAACGTACAACGCAGCACTCA[C>A]CCGCCGCCGGAGCCCCGGGGCGACCGCCGCCTCCGCCGCCTTCCGCCTTCTTCTTACCTC-3'